The following is an entry in ClinVar:

NM_001291303.3(FAT4):c.11927A>G (p.Glu3976Gly)

Gene: FAT4 (FAT atypical cadherin 4; plus strand). Cytogenetic location: 4q28.1.
Variant type: single nucleotide variant.
Coding change: c.11927A>G on transcript NM_001291303.3 (MANE Select); coding-DNA position 11927, A replaced by G.
Protein change: p.Glu3976Gly; replaces glutamic acid 3976 with glycine.
Molecular consequence: missense variant.
Genome position (GRCh38, 1-based): chr4:125,468,533, A>G. VCF-style: chr4-125468533-A-G. GRCh37 (hg19) VCF-style: chr4-126389688-A-G.
Other names: c.11927A>G, p.Glu3976Gly (NM_001291285.3); c.11921A>G, p.Glu3974Gly (NM_024582.6); c.11921A>G (NM_024582.5); short protein forms E3974G, E3976G.
Identifiers: ClinVar variation 2012139 (VCV002012139.5), dbSNP rs899834524, ClinGen allele CA104860246.

ClinVar aggregate classification (germline): Uncertain significance. Review status: criteria provided, multiple submitters, no conflicts (2 of 4 stars). 2 submissions from 2 submitters: Uncertain significance (2). Last evaluated 2024-04-03.

Conditions:
Van Maldergem syndrome 2 (VMLDS2). Identifiers: Orphanet 314679, MedGen C3809875, MONDO:0014242, OMIM 615546.
Hennekam lymphangiectasia-lymphedema syndrome 2 (HKLLS2). Identifiers: Orphanet 2136, MedGen C4014939, MONDO:0014454, OMIM 616006.

Allele frequency attached by ClinVar (database versions not stated): gnomAD 0.00001; gnomAD exomes 0.00001; TOPMed 0.00002.
gnomAD v4.1: 16 of 1,584,340 alleles (0.001%); highest among the groups gnomAD compares: Non-Finnish European, 0.0013%; no homozygotes.

Submissions (2):

Fulgent Genetics
Classification: Uncertain significance for Van Maldergem syndrome 2; Hennekam lymphangiectasia-lymphedema syndrome 2. Last evaluated: 2024-04-03. Review status: criteria provided, single submitter. Criteria: ACMG Guidelines, 2015. Collection method: clinical testing. Allele origin: germline.

Labcorp Genetics (formerly Invitae), Labcorp
Classification: Uncertain significance. Last evaluated: 2022-07-22. Review status: criteria provided, single submitter. Criteria: Invitae Variant Classification Sherloc (09022015). Collection method: clinical testing. Allele origin: germline.
Comment: This sequence change replaces glutamic acid, which is acidic and polar, with glycine, which is neutral and non-polar, at codon 3974 of the FAT4 protein (p.Glu3974Gly). The frequency data for this variant in the population databases is considered unreliable, as metrics indicate poor data quality at this position in the gnomAD database. This variant has not been reported in the literature in individuals affected with FAT4-related conditions. Advanced modeling of protein sequence and biophysical properties (such as structural, functional, and spatial information, amino acid conservation, physicochemical variation, residue mobility, and thermodynamic stability) performed at Invitae indicates that this missense variant is not expected to disrupt FAT4 protein function. In summary, the available evidence is currently insufficient to determine the role of this variant in disease. Therefore, it has been classified as a Variant of Uncertain Significance.